The following is an entry in ClinVar:

NM_006904.7(PRKDC):c.2366A>T (p.Tyr789Phe)

Gene: PRKDC (protein kinase, DNA-activated, catalytic subunit; minus strand). Cytogenetic location: 8q11.21.
Variant type: single nucleotide variant.
Coding change: c.2366A>T on transcript NM_006904.7 (MANE Select); coding-DNA position 2366, A replaced by T.
Protein change: p.Tyr789Phe; replaces tyrosine 789 with phenylalanine.
Molecular consequence: missense variant.
Genome position (GRCh38, 1-based): chr8:47,927,247, T>A on the plus strand (A>T on the coding strand, the complement: PRKDC is on the minus strand). VCF-style: chr8-47927247-T-A. GRCh37 (hg19) VCF-style: chr8-48839807-T-A.
Other names: c.2366A>T, p.Tyr789Phe (NM_001081640.2); short protein forms Y789F.
Identifiers: ClinVar variation 3425220 (VCV003425220.1).

ClinVar aggregate classification (germline): Uncertain significance (1 of 4 stars; one submission).

Submission:

Ambry Genetics
Classification: Uncertain significance. Last evaluated: 2024-07-15. Review status: criteria provided, single submitter. Criteria: Ambry Variant Classification Scheme 2023. Collection method: clinical testing. Allele origin: germline.
Comment: The p.Y789F variant (also known as c.2366A>T), located in coding exon 21 of the PRKDC gene, results from an A to T substitution at nucleotide position 2366. The tyrosine at codon 789 is replaced by phenylalanine, an amino acid with highly similar properties. This amino acid position is conserved. In addition, this alteration is predicted to be tolerated by in silico analysis. Based on the available evidence, the clinical significance of this variant remains unclear.